The following is an entry in ClinVar:

NM_138927.4(SON):c.1149G>T (p.Leu383Phe)

Gene: SON (SON DNA and RNA binding protein; plus strand). Cytogenetic location: 21q22.11.
Variant type: single nucleotide variant.
Coding change: c.1149G>T on transcript NM_138927.4 (MANE Select); coding-DNA position 1149, G replaced by T.
Protein change: p.Leu383Phe; replaces leucine 383 with phenylalanine.
Molecular consequence: missense variant. On other transcripts: non-coding transcript variant (1), intron variant (1).
Genome position (GRCh38, 1-based): chr21:33,550,380, G>T. VCF-style: chr21-33550380-G-T. GRCh37 (hg19) VCF-style: chr21-34922686-G-T.
Other names: c.1149G>T, p.Leu383Phe (NM_001291411.2, NM_001412133.1, NM_032195.3 and 2 more transcripts); c.244+4001G>T (NM_001291412.3); short protein forms L383F.
Identifiers: ClinVar variation 2812919 (VCV002812919.3), dbSNP rs1016057916, ClinGen allele CA410153243.

ClinVar aggregate classification (germline): Uncertain significance (1 of 4 stars; one submission).

Submission:

Labcorp Genetics (formerly Invitae), Labcorp
Classification: Uncertain significance. Last evaluated: 2022-11-08. Review status: criteria provided, single submitter. Criteria: Invitae Variant Classification Sherloc (09022015). Collection method: clinical testing. Allele origin: germline.
Comment: This variant has not been reported in the literature in individuals affected with SON-related conditions. This variant is not present in population databases (gnomAD no frequency). This sequence change replaces leucine, which is neutral and non-polar, with phenylalanine, which is neutral and non-polar, at codon 383 of the SON protein (p.Leu383Phe). Algorithms developed to predict the effect of missense changes on protein structure and function are either unavailable or do not agree on the potential impact of this missense change (SIFT: "Deleterious"; PolyPhen-2: "Probably Damaging"; Align-GVGD: "Class C0"). In summary, the available evidence is currently insufficient to determine the role of this variant in disease. Therefore, it has been classified as a Variant of Uncertain Significance.